The following is an entry in ClinVar:

ClinVar aggregate classification (germline): Uncertain significance (1 of 4 stars; one submission).

Conditions:
Epileptic encephalopathy. Identifiers: MedGen C0543888, HP:0200134.

Allele frequency attached by ClinVar (database versions not stated): TOPMed 0.00007.

Submission:

Labcorp Genetics (formerly Invitae), Labcorp
Classification: Uncertain significance for Epileptic encephalopathy. Last evaluated: 2025-12-15. Review status: criteria provided, single submitter. Criteria: Invitae Variant Classification Sherloc (09022015). Collection method: clinical testing. Allele origin: germline.
Comment: This sequence change replaces methionine, which is neutral and non-polar, with isoleucine, which is neutral and non-polar, at codon 1235 of the FASN protein (p.Met1235Ile). This variant is present in population databases (rs766761539, gnomAD 0.06%). This variant has not been reported in the literature in individuals affected with FASN-related conditions. ClinVar contains an entry for this variant (Variation ID: 857869). An algorithm developed to predict the effect of missense changes on protein structure and function outputs the following: PolyPhen-2: "Benign". The isoleucine amino acid residue is found in multiple mammalian species, which suggests that this missense change does not adversely affect protein function. In summary, the available evidence is currently insufficient to determine the role of this variant in disease. Therefore, it has been classified as a Variant of Uncertain Significance.

NM_004104.5(FASN):c.3705G>C (p.Met1235Ile)

Gene: FASN (fatty acid synthase; minus strand). Cytogenetic location: 17q25.3.
Variant type: single nucleotide variant.
Coding change: c.3705G>C on transcript NM_004104.5 (MANE Select); coding-DNA position 3705, G replaced by C.
Protein change: p.Met1235Ile; replaces methionine 1235 with isoleucine.
Molecular consequence: missense variant.
Genome position (GRCh38, 1-based): chr17:82,086,281, C>G on the plus strand (G>C on the coding strand, the complement: FASN is on the minus strand). VCF-style: chr17-82086281-C-G. GRCh37 (hg19) VCF-style: chr17-80044157-C-G.
Other names: short protein forms M1235I.
Identifiers: ClinVar variation 857869 (VCV000857869.7), dbSNP rs766761539, ClinGen allele CA8852303.
Genomic context (GRCh38, chr17:82,086,281, plus strand): 5'-GGGCAGAGGCCTGGCTGCCCAGGAGGCACCCACCTCCACCACCTTCATCTTCAGGCTGGG[C>G]ATGTTCTCCACGGCAGTGTCCAGGCAGGCCTTGAGTGCCGGGGAGTCCAGGAGGCCGCTG-3'
Protein context (NP_004095.4, residues 1225-1245): KACLDTAVEN[Met1235Ile]PSLKMKVVEV